The following is an entry in ClinVar:

NM_006231.4(POLE):c.6751T>C (p.Phe2251Leu)

Gene: POLE (DNA polymerase epsilon, catalytic subunit; minus strand). Cytogenetic location: 12q24.33.
Variant type: single nucleotide variant.
Coding change: c.6751T>C on transcript NM_006231.4 (MANE Select); coding-DNA position 6751, T replaced by C.
Protein change: p.Phe2251Leu; replaces phenylalanine 2251 with leucine.
Molecular consequence: missense variant.
Genome position (GRCh38, 1-based): chr12:132,624,807, A>G on the plus strand (T>C on the coding strand, the complement: POLE is on the minus strand). VCF-style: chr12-132624807-A-G. GRCh37 (hg19) VCF-style: chr12-133201393-A-G.
Other names: c.6751T>C (NM_006231.2); short protein forms F2251L.
Identifiers: ClinVar variation 405677 (VCV000405677.25), dbSNP rs373768478, ClinGen allele CA6891972.

ClinVar aggregate classification (germline): Conflicting classifications of pathogenicity. Review status: criteria provided, conflicting classifications (1 of 4 stars). 7 submissions from 7 submitters: Uncertain significance (2); Likely benign (3). 2 of the submissions do not count toward it. Last evaluated 2026-02-03.

Conditions:
POLE-related disorder. Also called: POLE-related disorders; POLE-related condition.
Hereditary cancer-predisposing syndrome. Also called: Hereditary Cancer Syndrome; Hereditary neoplastic syndrome; Neoplastic Syndromes, Hereditary; Tumor predisposition. Identifiers: Orphanet 140162, MedGen C0027672, MeSH D009386, MONDO:0015356.
Colorectal cancer, susceptibility to, 12 (CRCS12). Also called: COLORECTAL CANCER, SUSCEPTIBILITY TO, ON CHROMOSOME 12q24. Identifiers: Orphanet 220460, MedGen C3554460, MONDO:0014038, OMIM 615083.
Hereditary cancer. Identifiers: MedGen C1333600.

Allele frequency attached by ClinVar (database versions not stated): gnomAD exomes 0.00001 and 0.00004; ExAC 0.00005; ESP Exome Variant Server 0.00008; gnomAD 0.00016 and 0.00018; TOPMed 0.00019.
gnomAD v4.1: 40 of 1,609,596 alleles (0.0025%); highest among the groups gnomAD compares: African/African-American, 0.048%; no homozygotes.

Submissions (7):

Labcorp Genetics (formerly Invitae), Labcorp
Classification: Likely benign. Last evaluated: 2026-02-03. Review status: criteria provided, single submitter. Criteria: Invitae Variant Classification Sherloc (09022015). Collection method: clinical testing. Allele origin: germline.

Ambry Genetics
Classification: Likely benign for Hereditary cancer-predisposing syndrome. Last evaluated: 2024-08-23. Review status: criteria provided, single submitter. Criteria: Ambry Variant Classification Scheme 2023. Collection method: clinical testing. Allele origin: germline.

GeneDx
Classification: Uncertain significance. Last evaluated: 2024-02-25. Review status: criteria provided, single submitter. Criteria: GeneDx Variant Classification Process June 2021. Collection method: clinical testing. Allele origin: germline. Affected: yes.
Comment: In silico analysis supports that this missense variant does not alter protein structure/function; Observed in individuals with cervical, breast, and/or thyroid cancer (PMID: 35534704, 32098697); This variant is associated with the following publications: (PMID: 32098697, 36315513, 35534704)

Mendelics
Classification: Likely benign for Hereditary cancer. Last evaluated: 2024-01-23. Review status: criteria provided, single submitter. Criteria: ACMG Guidelines, 2015. Collection method: clinical testing. Allele origin: unknown.

St. Jude Molecular Pathology, St. Jude Children's Research Hospital
Classification: Uncertain significance for Colorectal cancer, susceptibility to, 12. Last evaluated: 2023-07-11. Review status: criteria provided, single submitter. Criteria: St. Jude Assertion Criteria 2020. Collection method: clinical testing. Allele origin: germline.
Comment: The POLE c.6751T>C (p.Phe2251Leu) missense change has a maximum subpopulation frequency of 0.044% in gnomAD v2.1.1. The in silico tool REVEL predicts a benign effect on protein function, but to our knowledge this prediction has not been confirmed by functional studies. To our knowledge, this variant has not been reported in the literature in individuals with POLE-related disease. In summary, the evidence currently available is insufficient to determine the clinical significance of this variant. It has therefore been classified as of uncertain significance.

PreventionGenetics, part of Exact Sciences
Classification: Uncertain significance for POLE-related condition. Last evaluated: 2024-03-13. Review status: no assertion criteria provided. Collection method: clinical testing. Allele origin: germline. Not counted in ClinVar's aggregate classification.
Comment: The POLE c.6751T>C variant is predicted to result in the amino acid substitution p.Phe2251Leu. This variant along with the POLE c.1597G>A (p.Val533Met), as well as pathogenic variants in PIK3CA and PTEN genes was found in dysplastic and invasive tumor components obtained from a cervical cancer specimen (Table 1, Vormittag-Nocito et al. 2020. PubMed ID: 32098697). Additional variants in other genes were also identified in both tumor components. This variant is reported in 0.044% of alleles in individuals of African descent in gnomADa and is interpreted has conflicting interpretations of likely benign and uncertain in ClinVar. Although we suspect that this variant may be benign, at this time, the clinical significance of this variant is uncertain due to the absence of conclusive functional and genetic evidence.

Department of Pathology and Laboratory Medicine, Sinai Health System
Classification: Uncertain significance. Review status: no assertion criteria provided. Collection method: clinical testing. Allele origin: unknown. Affected: yes. Study: The Canadian Open Genetics Repository (COGR). Not counted in ClinVar's aggregate classification.
Comment: The POLE p.Phe2251Leu variant was not identified in the literature nor was it identified in Cosmic. The variant was identified in dbSNP (ID: rs373768478), LOVD 3.0 and in ClinVar (classified as a VUS for Colorectal cancer, susceptibility to, 12 by Invitae). The variant was also identified in control databases in 12 of 281748 chromosomes at a frequency of 0.000043 (Genome Aggregation Database Feb 27, 2017). The variant was observed in the following populations: African in 11 of 24946 chromosomes (freq: 0.000441) and Latino in 1 of 35376 chromosomes (freq: 0.000028), while the variant was not observed in the Ashkenazi Jewish, East Asian, European (Finnish), European (non-Finnish), Other, and South Asian populations. The p.Phe2251 residue is conserved in mammals but not in more distantly related organisms however four out of five computational analyses (PolyPhen-2, SIFT, AlignGVGD, BLOSUM) do not suggest a high likelihood of impact to the protein; this information is not predictive enough to rule out pathogenicity. The variant occurs outside of the splicing consensus sequence and in silico or computational prediction software programs (SpliceSiteFinder, MaxEntScan, NNSPLICE, GeneSplicer) do not predict a difference in splicing. In summary, based on the above information the clinical significance of this variant cannot be determined with certainty at this time. This variant is classified as a variant of uncertain significance.